The following is an entry in ClinVar:

ClinVar aggregate classification (germline): Likely pathogenic (1 of 4 stars; one submission).

Conditions:
Bardet-Biedl syndrome (BBS). Identifiers: Orphanet 110, MedGen C0752166, MONDO:0015229.

Submission:

Labcorp Genetics (formerly Invitae), Labcorp
Classification: Likely pathogenic for Bardet-Biedl syndrome. Last evaluated: 2024-01-08. Review status: criteria provided, single submitter. Criteria: Invitae Variant Classification Sherloc (09022015). Collection method: clinical testing. Allele origin: unknown.
Comment: This variant results in the deletion of exon 16 and part of exon 17 (c.1677-490_1802delinsTGTTTAA) of the BBS7 gene. It is expected to disrupt RNA splicing. Variants that disrupt the donor or acceptor splice site typically lead to a loss of protein function (PMID: 16199547), and loss-of-function variants in BBS7 are known to be pathogenic (PMID: 12567324, 19402160, 21209035, 31196119). This variant has not been reported in the literature in individuals affected with BBS7-related conditions. In summary, the currently available evidence indicates that the variant is pathogenic, but additional data are needed to prove that conclusively. Therefore, this variant has been classified as Likely Pathogenic.

Literature cited by the submitters: PubMed 16199547; PubMed 12567324; PubMed 19402160; PubMed 21209035; PubMed 31196119.

NC_000004.11:g.(?_122749645)_(122750373_?)del

Gene: BBS7 (Bardet-Biedl syndrome 7; minus strand). Cytogenetic location: 4q27.
Variant type: Deletion.
Identifiers: ClinVar variation 3246653 (VCV003246653.1).